The following is an entry in ClinVar:

ClinVar aggregate classification (germline): Pathogenic (1 of 4 stars; one submission).

Conditions:
Familial cancer of breast. Also called: Hereditary breast cancer; BREAST CANCER, FAMILIAL; hereditary breast carcinoma. Identifiers: Orphanet 227535, MedGen C0346153, MONDO:0016419, OMIM 114480. Disease mechanism: loss of function.

Submission:

Myriad Genetics, Inc.
Classification: Pathogenic for Familial cancer of breast. Last evaluated: 2023-05-31. Review status: criteria provided, single submitter. Criteria: Myriad Autosomal Dominant, Autosomal Recessive and X-Linked Classification Criteria (2023). Collection method: clinical testing. Allele origin: unknown.
Comment: This variant is considered pathogenic. This variant creates a frameshift predicted to result in premature protein truncation.

NM_032043.3(BRIP1):c.699del (p.Lys234fs)

Gene: BRIP1 (BRCA1 interacting DNA helicase 1; minus strand). Cytogenetic location: 17q23.2.
Variant type: Deletion.
Coding change: c.699del on transcript NM_032043.3 (MANE Select); coding-DNA position 699, one base deleted (T; older notation c.699delT).
Protein change: p.Lys234fs; shifts the reading frame from lysine 234.
Molecular consequence: frameshift variant.
Genome position (GRCh38, 1-based): chr17:61,808,686, A deleted on the plus strand (T on the coding strand, the reverse complement: BRIP1 is on the minus strand); the first of 2 consecutive A bases (chr17:61,808,686-61,808,687); deleting either gives the same sequence. VCF-style (leftmost placement, unchanged base first): chr17-61808685-TA-T. GRCh37 (hg19) VCF-style: chr17-59886046-TA-T.
Other names: short protein forms K234fs.
Identifiers: ClinVar variation 2583669 (VCV002583669.2), dbSNP rs2545199010, ClinGen allele CA2582342253.
Genomic context (GRCh38, chr17:61,808,685, plus strand): 5'-TGTGTGTGCGTGTCCCAAAATATATTTTGGGTATCTTGGATTTCCCTGTATGATCCTTCT[TA>T]ATGGTATTCGATGACTCTTGACTGTTTCCTTGTTTAGTAGAACAACAGCACCTAGAACAG-3'